The following is an entry in ClinVar:

NM_016955.4(SEPSECS):c.58C>T (p.Gln20Ter)

Gene: SEPSECS (Sep (O-phosphoserine) tRNA:Sec (selenocysteine) tRNA synthase; minus strand). Cytogenetic location: 4p15.2.
Variant type: single nucleotide variant.
Coding change: c.58C>T on transcript NM_016955.4 (MANE Select); coding-DNA position 58, C replaced by T.
Protein change: p.Gln20Ter; replaces glutamine 20 with a stop codon.
Molecular consequence: nonsense.
Genome position (GRCh38, 1-based): chr4:25,160,312, G>A on the plus strand (C>T on the coding strand, the complement: SEPSECS is on the minus strand). VCF-style: chr4-25160312-G-A. GRCh37 (hg19) VCF-style: chr4-25161934-G-A.
Other names: c.58C>T, p.Gln20Ter (NM_001410714.1); short protein forms Q20*.
Identifiers: ClinVar variation 3590479 (VCV003590479.2).
Genomic context (GRCh38, chr4:25,160,312, plus strand): 5'-GTACCTTCTCCAGAAGCAGCCGTATGAGGTGCTCATGCGAGCGGCGGGCCTCACAGCCCT[G>A]CCGCACGTAAGCCGGCGACACCAGCCGCTCTCCCGCCGCGAAGCTCTCGCGGTTCATGAC-3'

ClinVar aggregate classification (germline): Pathogenic/Likely pathogenic. Review status: criteria provided, multiple submitters, no conflicts (2 of 4 stars). 2 submissions from 2 submitters: Pathogenic (1); Likely pathogenic (1). Last evaluated 2026-02-25.

Conditions:
Pontocerebellar hypoplasia type 2D (PCH2D). Also called: Progressive cerebello-cerebral atrophy. Identifiers: Orphanet 247198, Orphanet 2524, MedGen C3151140, MONDO:0013438, OMIM 613811.

gnomAD v4.1: 1 of 1,549,560 alleles (0.000065%); highest among the groups gnomAD compares: Non-Finnish European, 0.000087%; no homozygotes.

Submissions (2):

Myriad Genetics, Inc.
Classification: Pathogenic for Pontocerebellar hypoplasia type 2D. Last evaluated: 2026-02-25. Review status: criteria provided, single submitter. Criteria: Myriad Autosomal Dominant, Autosomal Recessive and X-Linked Classification Criteria (2023). Collection method: clinical testing. Allele origin: unknown.
Comment: NM_016955.3(SEPSECS):c.58C>T(Q20*) is a nonsense variant classified as pathogenic in the context of pontocerebellar hypoplasia, SEPSECS-related. Q20* has not been observed in cases with relevant disease. Relevant functional assessments of this variant are not available in the literature. Q20* has not been observed in referenced population frequency databases. In summary, NM_016955.3(SEPSECS):c.58C>T(Q20*) is a nonsense variant in a gene where loss of function is a known mechanism of disease and is predicted to disrupt protein function. Please note: this variant was assessed in the context of healthy population screening.

Fulgent Genetics
Classification: Likely pathogenic for Pontocerebellar hypoplasia type 2D. Last evaluated: 2024-05-05. Review status: criteria provided, single submitter. Criteria: ACMG Guidelines, 2015. Collection method: clinical testing. Allele origin: germline.